The following is an entry in ClinVar:

ClinVar aggregate classification (germline): Conflicting classifications of pathogenicity. Review status: criteria provided, conflicting classifications (1 of 4 stars). 6 submissions from 6 submitters: Pathogenic (1); Likely pathogenic (1); Uncertain significance (3). 1 of the submissions does not count toward it. Last evaluated 2026-09-01.

Conditions:
Clark-Baraitser syndrome. Also called: MENTAL RETARDATION, AUTOSOMAL DOMINANT 49; Intellectual disability, autosomal dominant 49; BARAITSER SYNDROME; Mental retardation, tall stature, obesity, macrocephaly and typical facial features. Identifiers: Orphanet 600731, MedGen C2931130, MONDO:0030914, OMIM 617752.

Allele frequency attached by ClinVar (database versions not stated): gnomAD exomes below 0.00001; ExAC 0.00001.
gnomAD v4.1: 1 of 1,612,028 alleles (0.000062%); highest among the groups gnomAD compares: Non-Finnish European, 0.000085%; no homozygotes.

Submissions (6):

CeGaT Center for Human Genetics Tuebingen
Classification: Uncertain significance. Last evaluated: 2026-09-01. Review status: criteria provided, single submitter. Criteria: CeGaT Center For Human Genetics Tuebingen Variant Classification Criteria Version 2. Collection method: clinical testing. Allele origin: germline. Affected: yes. Observed: 1 variant allele.
Comment: TRIP12: PM2, PM5, PP2

GeneDx
Classification: Uncertain significance. Last evaluated: 2024-10-17. Review status: criteria provided, single submitter. Criteria: GeneDx Variant Classification Process June 2021. Collection method: clinical testing. Allele origin: germline. Affected: yes.
Comment: In silico analysis supports that this missense variant has a deleterious effect on protein structure/function; Has not been previously published as pathogenic or benign to our knowledge

Victorian Clinical Genetics Services, Murdoch Childrens Research Institute
Classification: Pathogenic for Clark-Baraitser syndrome. Last evaluated: 2022-06-24. Review status: criteria provided, single submitter. Criteria: ACMG Guidelines, 2015. Collection method: clinical testing. Allele origin: germline. Inheritance: Autosomal dominant inheritance. Affected: yes.
Comment: Based on the classification scheme VCGS_Germline_v1.3.4, this variant is classified as Pathogenic. Following criteria are met: 0102 - Loss of function is a known mechanism of disease in this gene and is associated with Clark-Baraitser syndrome MIM#617752. (I) 0107 - This gene is associated with autosomal dominant disease. (I) 0200 - Variant is predicted to result in a missense amino acid change from proline to leucine. (I) 0251 - This variant is heterozygous. (I) 0302 - Variant is present in gnomAD <0.001 for a dominant condition (v2: 1 heterozygote, 0 homozygotes). (SP) 0502 - Missense variant with conflicting in silico predictions and uninformative conservation. (I) 0603 - Missense variant in a region that is highly intolerant to missense variation (high constraint region in DECIPHER). (SP) 0704 - Another missense variant comparable to the one identified in this case has limited previous evidence for pathogenicity. p.(Pro193Arg) has been reported de novo in an individual with abnormality of the nervous system (DECIPHER). (SP) 0802 - This variant has moderate previous evidence of pathogenicity in unrelated individuals. It has been reported de novo in an affected individual and classified as likely pathogenic by a diagnostic laboratory in ClinVar. (SP) 0905 - No published segregation evidence has been identified for this variant. (I) 1007 - No published functional evidence has been identified for this variant. (SP) Legend: (SP) - Supporting pathogenic, (I) - Information, (SB) - Supporting benign

Revvity Omics, Revvity
Classification: Uncertain significance for Clark-Baraitser syndrome. Last evaluated: 2019-07-17. Review status: criteria provided, single submitter. Criteria: ACMG Guidelines, 2015. Collection method: clinical testing. Allele origin: germline.

Cytogénomique, Hospices Civils de Lyon
Classification: Likely pathogenic for Clark-Baraitser syndrome. Last evaluated: 2017-08-30. Review status: criteria provided, single submitter. Criteria: ACMG Guidelines, 2015. Collection method: clinical testing. Allele origin: de novo. Inheritance: Autosomal dominant inheritance. Affected: yes.

Department of Rehabilitation Medicine, Incheon St. Mary’s Hospital, College of Medicine, The Catholic University of Korea
Classification: Likely pathogenic for Clark-Baraitser syndrome. Review status: no assertion criteria provided. Collection method: clinical testing. Allele origin: unknown. Affected: yes. Not counted in ClinVar's aggregate classification.

NM_001348323.3(TRIP12):c.5801C>T (p.Pro1934Leu)

Gene: TRIP12 (thyroid hormone receptor interactor 12; minus strand). Cytogenetic location: 2q36.3.
Variant type: single nucleotide variant.
Coding change: c.5801C>T on transcript NM_001348323.3 (MANE Select); coding-DNA position 5801, C replaced by T.
Protein change: p.Pro1934Leu; replaces proline 1934 with leucine.
Molecular consequence: missense variant.
Genome position (GRCh38, 1-based): chr2:229,771,526, G>A on the plus strand (C>T on the coding strand, the complement: TRIP12 is on the minus strand). VCF-style: chr2-229771526-G-A. GRCh37 (hg19) VCF-style: chr2-230636242-G-A.
Other names: c.5576C>T (NM_004238.1, NM_004238.2); c.5720C>T, p.Pro1907Leu (NM_001284214.2, NM_001348315.2); c.5675C>T, p.Pro1892Leu (NM_001284215.2, NM_001348316.2); c.4766C>T, p.Pro1589Leu (NM_001284216.2); c.5660C>T, p.Pro1887Leu (NM_001348317.1, NM_001348318.2); c.5786C>T, p.Pro1929Leu (NM_001348319.1, NM_001348320.2); c.5789C>T, p.Pro1930Leu (NM_001348321.1); c.5801C>T, p.Pro1934Leu (NM_001348322.1, NM_001348324.2, NM_001348325.2 and 2 more transcripts); and 5 more; short protein forms P1892L, P1907L, P1935L, P1860L, P1900L, P1908L, P1930L, P1589L.
Identifiers: ClinVar variation 620003 (VCV000620003.10), dbSNP rs747501109, ClinGen allele CA2152240.
Genomic context (GRCh38, chr2:229,771,526, plus strand): 5'-CACTCCACTAAAATTATAGGTATGACCATTTCTTTTAGATATAAGCTACTCACTTCCTCC[G>A]GGTAGAAGTACTGAAGATGACTGAGTGGGAAGACTGATTCAAATCCATCTCTGAACGAAT-3'
Protein context (NP_001335252.1, residues 1924-1944): FPLSHLQYFY[Pro1934Leu]EELDQLLCGS